The following is an entry in ClinVar:

ClinVar aggregate classification (germline): Uncertain significance (1 of 4 stars; one submission).

Conditions:
Long QT syndrome (LQTS). Identifiers: MedGen C0023976, MeSH D008133, MONDO:0002442. Disease mechanism: loss of function. Inheritance: Various modes of inheritance.

Submission:

Labcorp Genetics (formerly Invitae), Labcorp
Classification: Uncertain significance for Long QT syndrome. Last evaluated: 2023-11-10. Review status: criteria provided, single submitter. Criteria: Invitae Variant Classification Sherloc (09022015). Collection method: clinical testing. Allele origin: germline.
Comment: This sequence change replaces alanine, which is neutral and non-polar, with threonine, which is neutral and polar, at codon 1508 of the CACNA1C protein (p.Ala1508Thr). This variant is not present in population databases (gnomAD no frequency). This variant has not been reported in the literature in individuals affected with CACNA1C-related conditions. Advanced modeling of protein sequence and biophysical properties (such as structural, functional, and spatial information, amino acid conservation, physicochemical variation, residue mobility, and thermodynamic stability) performed at Invitae indicates that this missense variant is expected to disrupt CACNA1C protein function with a positive predictive value of 95%. In summary, the available evidence is currently insufficient to determine the role of this variant in disease. Therefore, it has been classified as a Variant of Uncertain Significance.

NM_000719.7(CACNA1C):c.4522G>A (p.Ala1508Thr)

Gene: CACNA1C (calcium voltage-gated channel subunit alpha1 C; plus strand). Cytogenetic location: 12p13.33.
Variant type: single nucleotide variant.
Coding change: c.4522G>A on transcript NM_000719.7 (MANE Select); coding-DNA position 4522, G replaced by A.
Protein change: p.Ala1508Thr; replaces alanine 1508 with threonine.
Molecular consequence: missense variant.
Genome position (GRCh38, 1-based): chr12:2,665,704, G>A. VCF-style: chr12-2665704-G-A. GRCh37 (hg19) VCF-style: chr12-2774870-G-A.
Other names: c.4522G>A, p.Ala1508Thr (NM_001129834.2, NM_001129835.2, NM_001129840.2 and 7 more transcripts); c.4573G>A, p.Ala1525Thr (NM_001129836.2); c.4489G>A, p.Ala1497Thr (NM_001129837.2, NM_001129838.2, NM_001129846.2 and 1 more transcripts); c.4483G>A, p.Ala1495Thr (NM_001129839.2); c.4513G>A, p.Ala1505Thr (NM_001129844.2); c.4666G>A, p.Ala1556Thr (NM_199460.4, NM_001129827.2); c.4588G>A, p.Ala1530Thr (NM_001129829.2); c.4606G>A, p.Ala1536Thr (NM_001129831.2); and 1 more; short protein forms A1495T, A1497T, A1528T, A1530T, A1556T, A1508T, A1525T, A1505T.
Identifiers: ClinVar variation 3001262 (VCV003001262.3), dbSNP rs2529752070, ClinGen allele CA383376384.